The following is an entry in ClinVar:

ClinVar aggregate classification (germline): Uncertain significance (1 of 4 stars; one submission).

Allele frequency attached by ClinVar (database versions not stated): gnomAD 0.00002; TOPMed 0.00002; ExAC 0.00004.

Submission:

Labcorp Genetics (formerly Invitae), Labcorp
Classification: Uncertain significance. Last evaluated: 2025-09-08. Review status: criteria provided, single submitter. Criteria: Invitae Variant Classification Sherloc (09022015). Collection method: clinical testing. Allele origin: germline.
Comment: This sequence change replaces glycine, which is neutral and non-polar, with serine, which is neutral and polar, at codon 212 of the CCDC8 protein (p.Gly212Ser). This variant is present in population databases (rs778774357, gnomAD 0.007%). This variant has not been reported in the literature in individuals affected with CCDC8-related conditions. ClinVar contains an entry for this variant (Variation ID: 1984002). An algorithm developed to predict the effect of missense changes on protein structure and function outputs the following: PolyPhen-2: "Possibly Damaging". The serine amino acid residue is found in multiple mammalian species, which suggests that this missense change does not adversely affect protein function. In summary, the available evidence is currently insufficient to determine the role of this variant in disease. Therefore, it has been classified as a Variant of Uncertain Significance.

NM_032040.5(CCDC8):c.634G>A (p.Gly212Ser)

Gene: CCDC8 (coiled-coil domain containing 8 subunit of 3M complex; minus strand). Cytogenetic location: 19q13.32.
Variant type: single nucleotide variant.
Coding change: c.634G>A on transcript NM_032040.5 (MANE Select); coding-DNA position 634, G replaced by A.
Protein change: p.Gly212Ser; replaces glycine 212 with serine.
Molecular consequence: missense variant.
Genome position (GRCh38, 1-based): chr19:46,412,177, C>T on the plus strand (G>A on the coding strand, the complement: CCDC8 is on the minus strand). VCF-style: chr19-46412177-C-T. GRCh37 (hg19) VCF-style: chr19-46915434-C-T.
Other names: short protein forms G212S.
Identifiers: ClinVar variation 1984002 (VCV001984002.3), dbSNP rs778774357, ClinGen allele CA9528674.